The following is an entry in ClinVar:

NM_001128840.3(CACNA1D):c.3252C>A (p.Phe1084Leu)

Gene: CACNA1D (calcium voltage-gated channel subunit alpha1 D; plus strand). Cytogenetic location: 3p21.1.
Variant type: single nucleotide variant.
Coding change: c.3252C>A on transcript NM_001128840.3 (MANE Select); coding-DNA position 3252, C replaced by A.
Protein change: p.Phe1084Leu; replaces phenylalanine 1084 with leucine.
Molecular consequence: missense variant.
Genome position (GRCh38, 1-based): chr3:53,747,386, C>A. VCF-style: chr3-53747386-C-A. GRCh37 (hg19) VCF-style: chr3-53781413-C-A.
Other names: c.3312C>A, p.Phe1104Leu (NM_000720.4); c.3252C>A, p.Phe1084Leu (NM_001128839.3); short protein forms F1084L, F1104L.
Identifiers: ClinVar variation 3364982 (VCV003364982.2).

ClinVar aggregate classification (germline): Uncertain significance (1 of 4 stars; one submission).

Submission:

GeneDx
Classification: Uncertain significance. Last evaluated: 2025-06-20. Review status: criteria provided, single submitter. Criteria: GeneDx Variant Classification Process June 2021. Collection method: clinical testing. Allele origin: germline.
Comment: Not observed at significant frequency in large population cohorts (gnomAD); In silico analysis supports that this missense variant has a deleterious effect on protein structure/function; Has not been previously published as pathogenic or benign to our knowledge